The following is an entry in ClinVar:

ClinVar aggregate classification (germline): Uncertain significance. Review status: criteria provided, multiple submitters, no conflicts (2 of 4 stars). 2 submissions from 2 submitters: Uncertain significance (2). Last evaluated 2024-12-30.

Conditions:
Hereditary cancer-predisposing syndrome. Also called: Hereditary Cancer Syndrome; Neoplastic Syndromes, Hereditary; Tumor predisposition; Hereditary neoplastic syndrome. Identifiers: Orphanet 140162, MedGen C0027672, MeSH D009386, MONDO:0015356.

Submissions (2):

Labcorp Genetics (formerly Invitae), Labcorp
Classification: Uncertain significance. Last evaluated: 2024-12-30. Review status: criteria provided, single submitter. Criteria: Invitae Variant Classification Sherloc (09022015). Collection method: clinical testing. Allele origin: germline.
Comment: This sequence change replaces leucine, which is neutral and non-polar, with methionine, which is neutral and non-polar, at codon 164 of the HOXB13 protein (p.Leu164Met). This variant is not present in population databases (gnomAD no frequency). This variant has not been reported in the literature in individuals affected with HOXB13-related conditions. ClinVar contains an entry for this variant (Variation ID: 1744049). Invitae Evidence Modeling of protein sequence and biophysical properties (such as structural, functional, and spatial information, amino acid conservation, physicochemical variation, residue mobility, and thermodynamic stability) indicates that this missense variant is not expected to disrupt HOXB13 protein function with a negative predictive value of 80%. In summary, the available evidence is currently insufficient to determine the role of this variant in disease. Therefore, it has been classified as a Variant of Uncertain Significance.

Ambry Genetics
Classification: Uncertain significance for Hereditary cancer-predisposing syndrome. Last evaluated: 2021-12-01. Review status: criteria provided, single submitter. Criteria: Ambry Variant Classification Scheme 2023. Collection method: clinical testing. Allele origin: germline.
Comment: The p.L164M variant (also known as c.490T>A), located in coding exon 1 of the HOXB13 gene, results from a T to A substitution at nucleotide position 490. The leucine at codon 164 is replaced by methionine, an amino acid with highly similar properties. This amino acid position is conserved. In addition, the in silico prediction for this alteration is inconclusive. Since supporting evidence is limited at this time, the clinical significance of this alteration remains unclear.

NM_006361.6(HOXB13):c.490T>A (p.Leu164Met)

Gene: HOXB13 (homeobox B13; minus strand). Cytogenetic location: 17q21.32.
Variant type: single nucleotide variant.
Coding change: c.490T>A on transcript NM_006361.6 (MANE Select); coding-DNA position 490, T replaced by A.
Protein change: p.Leu164Met; replaces leucine 164 with methionine.
Molecular consequence: missense variant.
Genome position (GRCh38, 1-based): chr17:48,728,104, A>T on the plus strand (T>A on the coding strand, the complement: HOXB13 is on the minus strand). VCF-style: chr17-48728104-A-T. GRCh37 (hg19) VCF-style: chr17-46805466-A-T.
Other names: short protein forms L164M.
Identifiers: ClinVar variation 1744049 (VCV001744049.5), dbSNP rs555788633, ClinGen allele CA400107349.
Genomic context (GRCh38, chr17:48,728,104, plus strand): 5'-AACACATCTGGCTGTTCCAGCCACCAGCGAGAGCCCAAGACTGGTAACTGTCCACAGGCA[A>T]CAGGGAGTCATGTCGCGGTTCTCCAGGAGCACCCAGAGTCTGCACCACAGACACGTCCAG-3'
Protein context (NP_006352.2, residues 154-174): APGEPRHDSL[Leu164Met]PVDSYQSWAL